The following is an entry in ClinVar:

NM_005591.4(MRE11):c.716A>T (p.Asp239Val)

Gene: MRE11 (MRE11 double strand break repair nuclease; minus strand). Cytogenetic location: 11q21.
Variant type: single nucleotide variant.
Coding change: c.716A>T on transcript NM_005591.4 (MANE Select); coding-DNA position 716, A replaced by T.
Protein change: p.Asp239Val; replaces aspartic acid 239 with valine.
Molecular consequence: missense variant.
Genome position (GRCh38, 1-based): chr11:94,471,703, T>A on the plus strand (A>T on the coding strand, the complement: MRE11 is on the minus strand). VCF-style: chr11-94471703-T-A. GRCh37 (hg19) VCF-style: chr11-94204869-T-A.
Other names: c.716A>T, p.Asp239Val (NM_001330347.2, NM_005590.4); c.716A>T (NM_005591.3); short protein forms D239V.
Identifiers: ClinVar variation 1023690 (VCV001023690.9), dbSNP rs876659678, ClinGen allele CA382375835.

ClinVar aggregate classification (germline): Uncertain significance. Review status: criteria provided, multiple submitters, no conflicts (2 of 4 stars). 2 submissions from 2 submitters: Uncertain significance (2). Last evaluated 2022-12-12.

Conditions:
Hereditary cancer-predisposing syndrome. Also called: Hereditary Cancer Syndrome; Neoplastic Syndromes, Hereditary; Tumor predisposition; Hereditary neoplastic syndrome. Identifiers: Orphanet 140162, MedGen C0027672, MeSH D009386, MONDO:0015356.
Ataxia-telangiectasia-like disorder (ATLD). Identifiers: MedGen C1858391, MONDO:0011457.

Submissions (2):

Ambry Genetics
Classification: Uncertain significance for Hereditary cancer-predisposing syndrome. Last evaluated: 2022-12-12. Review status: criteria provided, single submitter. Criteria: Ambry Variant Classification Scheme 2023. Collection method: clinical testing. Allele origin: germline.
Comment: The p.D239V variant (also known as c.716A>T), located in coding exon 7 of the MRE11A gene, results from an A to T substitution at nucleotide position 716. The aspartic acid at codon 239 is replaced by valine, an amino acid with highly dissimilar properties. This amino acid position is conserved. In addition, this alteration is predicted to be deleterious by in silico analysis. Since supporting evidence is limited at this time, the clinical significance of this alteration remains unclear.

Labcorp Genetics (formerly Invitae), Labcorp
Classification: Uncertain significance for Ataxia-telangiectasia-like disorder. Last evaluated: 2021-07-15. Review status: criteria provided, single submitter. Criteria: Invitae Variant Classification Sherloc (09022015). Collection method: clinical testing. Allele origin: germline.
Comment: In summary, the available evidence is currently insufficient to determine the role of this variant in disease. Therefore, it has been classified as a Variant of Uncertain Significance. Algorithms developed to predict the effect of missense changes on protein structure and function are either unavailable or do not agree on the potential impact of this missense change (SIFT: "Deleterious"; PolyPhen-2: "Probably Damaging"; Align-GVGD: "Class C15"). This variant has not been reported in the literature in individuals with MRE11-related conditions. This variant is not present in population databases (ExAC no frequency). This sequence change replaces aspartic acid with valine at codon 239 of the MRE11 protein (p.Asp239Val). The aspartic acid residue is highly conserved and there is a large physicochemical difference between aspartic acid and valine.